The following is an entry in ClinVar:

NC_000017.11:g.(?_43090924)_(43094880_?)del

Gene: BRCA1 (BRCA1 DNA repair associated; minus strand). Cytogenetic location: 17q21.31.
Variant type: Deletion.
Identifiers: ClinVar variation 831221 (VCV000831221.2).

ClinVar aggregate classification (germline): Pathogenic (1 of 4 stars; one submission).

Conditions:
Hereditary breast ovarian cancer syndrome. Also called: Hereditary breast and/or ovarian cancer syndrome; Hereditary breast and ovarian cancer syndrome (HBOC); Breast and ovarian cancer; Hereditary breast and ovarian cancer; BRCA1- and BRCA2-Associated Hereditary Breast and Ovarian Cancer; Hereditary breast and ovarian cancer syndrome. Identifiers: Orphanet 145, MedGen C0677776, MeSH D061325, MONDO:0003582. Disease mechanism: loss of function.

Submission:

Labcorp Genetics (formerly Invitae), Labcorp
Classification: Pathogenic for Hereditary breast ovarian cancer syndrome. Last evaluated: 2021-08-12. Review status: criteria provided, single submitter. Criteria: Invitae Variant Classification Sherloc (09022015). Collection method: clinical testing. Allele origin: germline.
Comment: This variant is a gross deletion of the genomic region encompassing exon(s) 10-11 of the BRCA1 gene. This deletion is out-of-frame, and is expected to create a premature termination codon and result in an absent or disrupted protein product. Loss-of-function variants in BRCA1 are known to be pathogenic (PMID: 20104584). A similar copy number variant has been observed in individual(s) with a personal and/or family history of breast and/or ovarian cancer (PMID: 21120943). This variant is also known as exons 11-12. For these reasons, this variant has been classified as Pathogenic.

Literature cited by the submitters: PubMed 20104584; PubMed 21120943.